The following is an entry in ClinVar:

ClinVar aggregate classification (germline): Uncertain significance (1 of 4 stars; one submission).

Submission:

GeneDx
Classification: Uncertain significance. Last evaluated: 2021-03-29. Review status: criteria provided, single submitter. Criteria: GeneDx Variant Classification Process June 2021. Collection method: clinical testing. Allele origin: germline. Affected: yes.
Comment: Not observed in large population cohorts (Lek et al., 2016); In silico analysis supports that this missense variant has a deleterious effect on protein structure/function; Has not been previously published as pathogenic or benign to our knowledge

NM_003718.5(CDK13):c.2803C>A (p.Pro935Thr)

Gene: CDK13 (cyclin dependent kinase 13; plus strand). Cytogenetic location: 7p14.1.
Variant type: single nucleotide variant.
Coding change: c.2803C>A on transcript NM_003718.5 (MANE Select); coding-DNA position 2803, C replaced by A.
Protein change: p.Pro935Thr; replaces proline 935 with threonine.
Molecular consequence: missense variant.
Genome position (GRCh38, 1-based): chr7:40,078,027, C>A. VCF-style: chr7-40078027-C-A. GRCh37 (hg19) VCF-style: chr7-40117626-C-A.
Other names: c.2803C>A, p.Pro935Thr (NM_031267.4); short protein forms P935T.
Identifiers: ClinVar variation 1304302 (VCV001304302.2), dbSNP rs2150536015, ClinGen allele CA367289128.
Genomic context (GRCh38, chr7:40,078,027, plus strand): 5'-AGTTGATAGTGATGTACTTCCTTTTGTGTGTTGCTTAGCCGAATATGTGGGAGTCCATGT[C>A]CTGCAGTGTGGCCTGATGTAATCAAACTACCATATTTCAACACCATGAAACCAAAGAAGC-3'
Protein context (NP_003709.3, residues 925-945): LISRICGSPC[Pro935Thr]AVWPDVIKLP